The following is an entry in ClinVar:

ClinVar aggregate classification (germline): Uncertain significance (1 of 4 stars; one submission).

Conditions:
Malignant hyperthermia, susceptibility to, 1 (MHS1). Also called: RYR1-Related Malignant Hyperthermia Susceptibility; Anesthesia related hyperthermia; Malignant hyperpyrexia; Fulminating hyperpyrexia; Pharmacogenic myopathy; Malignant hyperthermia suceptibility 1. Identifiers: Orphanet 423, MedGen C2930980, MONDO:0007783, OMIM 145600.

gnomAD v4.1: 7 of 1,614,054 alleles (0.00043%); highest among the groups gnomAD compares: Admixed American, 0.01%; no homozygotes.

Submission:

All of Us Research Program, National Institutes of Health
Classification: Uncertain significance for Malignant hyperthermia, susceptibility to, 1. Last evaluated: 2023-11-30. Review status: criteria provided, single submitter. Criteria: ACMG Guidelines, 2015. Collection method: clinical testing. Allele origin: germline. Inheritance: Autosomal dominant inheritance. Observed: 3 variant alleles, 3 heterozygotes.
Comment: This variant is located in the RYR1 protein. To our knowledge, functional studies have not been reported for this variant. This variant has not been reported in individuals affected with RYR1-related disorders in the literature. This variant has been identified in 4/251238 chromosomes in the general population by the Genome Aggregation Database (gnomAD). The available evidence is insufficient to determine the role of this variant in disease conclusively. Therefore, this variant is classified as a Variant of Uncertain Significance.

This study involves interpretation of variants in research participants for the purpose of population health screening. Participant phenotype was not available at the time of variant classification. Additional details can be found in publication PMID: 35346344, PMCID: PMC8962531

NM_000540.3(RYR1):c.8715G>A (p.Leu2905=)

Gene: RYR1 (ryanodine receptor 1; plus strand). Cytogenetic location: 19q13.2.
Variant type: single nucleotide variant.
Coding change: c.8715G>A on transcript NM_000540.3 (MANE Select); coding-DNA position 8715, G replaced by A.
Protein change: p.Leu2905=; no amino-acid change (leucine 2905 retained).
Molecular consequence: synonymous variant.
Genome position (GRCh38, 1-based): chr19:38,506,851, G>A. VCF-style: chr19-38506851-G-A. GRCh37 (hg19) VCF-style: chr19-38997491-G-A.
Other names: c.8715G>A, p.Leu2905= (NM_001042723.2).
Identifiers: ClinVar variation 3070168 (VCV003070168.1), dbSNP rs368684717, ClinGen allele CA072625.